The following is an entry in ClinVar:

NM_004281.4(BAG3):c.1070C>T (p.Pro357Leu)

Gene: BAG3 (BAG cochaperone 3; plus strand). Cytogenetic location: 10q26.11.
Variant type: single nucleotide variant.
Coding change: c.1070C>T on transcript NM_004281.4 (MANE Select); coding-DNA position 1070, C replaced by T.
Protein change: p.Pro357Leu; replaces proline 357 with leucine.
Molecular consequence: missense variant.
Genome position (GRCh38, 1-based): chr10:119,676,624, C>T. VCF-style: chr10-119676624-C-T. GRCh37 (hg19) VCF-style: chr10-121436136-C-T.
Other names: short protein forms P357L.
Identifiers: ClinVar variation 1783289 (VCV001783289.7), dbSNP rs757425256, ClinGen allele CA5716479.

ClinVar aggregate classification (germline): Uncertain significance. Review status: criteria provided, multiple submitters, no conflicts (2 of 4 stars). 2 submissions from 2 submitters: Uncertain significance (2). Last evaluated 2024-02-15.

Conditions:
Cardiovascular phenotype. Identifiers: MedGen CN230736.
Myofibrillar myopathy 6. Identifiers: Orphanet 199340, MedGen C2751831, MONDO:0013061, OMIM 612954.
Dilated cardiomyopathy 1HH (CMD1HH). Identifiers: Orphanet 154, MedGen C3151293, MONDO:0013479, OMIM 613881.

Allele frequency attached by ClinVar (database versions not stated): gnomAD exomes below 0.00001; ExAC 0.00001; gnomAD 0.00001; TOPMed 0.00001.
gnomAD v4.1: 7 of 1,614,062 alleles (0.00043%); highest among the groups gnomAD compares: Non-Finnish European, 0.00059%; no homozygotes.

Submissions (2):

Labcorp Genetics (formerly Invitae), Labcorp
Classification: Uncertain significance for Dilated cardiomyopathy 1HH; Myofibrillar myopathy 6. Last evaluated: 2024-02-15. Review status: criteria provided, single submitter. Criteria: Invitae Variant Classification Sherloc (09022015). Collection method: clinical testing. Allele origin: germline.
Comment: This sequence change replaces proline, which is neutral and non-polar, with leucine, which is neutral and non-polar, at codon 357 of the BAG3 protein (p.Pro357Leu). This variant is present in population databases (rs757425256, gnomAD 0.0009%). This variant has not been reported in the literature in individuals affected with BAG3-related conditions. ClinVar contains an entry for this variant (Variation ID: 1783289). Advanced modeling of protein sequence and biophysical properties (such as structural, functional, and spatial information, amino acid conservation, physicochemical variation, residue mobility, and thermodynamic stability) performed at Invitae indicates that this missense variant is not expected to disrupt BAG3 protein function with a negative predictive value of 80%. In summary, the available evidence is currently insufficient to determine the role of this variant in disease. Therefore, it has been classified as a Variant of Uncertain Significance.

Ambry Genetics
Classification: Uncertain significance for Cardiovascular phenotype. Last evaluated: 2023-11-30. Review status: criteria provided, single submitter. Criteria: Ambry Variant Classification Scheme 2023. Collection method: clinical testing. Allele origin: germline.
Comment: The p.P357L variant (also known as c.1070C>T), located in coding exon 4 of the BAG3 gene, results from a C to T substitution at nucleotide position 1070. The proline at codon 357 is replaced by leucine, an amino acid with similar properties. This amino acid position is conserved. In addition, the in silico prediction for this alteration is inconclusive. Since supporting evidence is limited at this time, the clinical significance of this alteration remains unclear.